The following is an entry in ClinVar:

NM_004341.5(CAD):c.5422G>C (p.Asp1808His)

Gene: CAD (carbamoyl-phosphate synthetase 2, aspartate transcarbamylase, and dihydroorotase; plus strand). Cytogenetic location: 2p23.3.
Variant type: single nucleotide variant.
Coding change: c.5422G>C on transcript NM_004341.5 (MANE Select); coding-DNA position 5422, G replaced by C.
Protein change: p.Asp1808His; replaces aspartic acid 1808 with histidine.
Molecular consequence: missense variant.
Genome position (GRCh38, 1-based): chr2:27,239,724, G>C. VCF-style: chr2-27239724-G-C. GRCh37 (hg19) VCF-style: chr2-27462592-G-C.
Other names: c.5233G>C, p.Asp1745His (NM_001306079.2); short protein forms D1808H, D1745H.
Identifiers: ClinVar variation 2122756 (VCV002122756.4), dbSNP rs1378731205, ClinGen allele CA346222819.

ClinVar aggregate classification (germline): Uncertain significance (1 of 4 stars; one submission).

Allele frequency attached by ClinVar (database versions not stated): gnomAD exomes below 0.00001.
gnomAD v4.1: 1 of 1,594,542 alleles (0.000063%); highest among the groups gnomAD compares: South Asian, 0.0011%; no homozygotes.

Submission:

Labcorp Genetics (formerly Invitae), Labcorp
Classification: Uncertain significance. Last evaluated: 2022-09-01. Review status: criteria provided, single submitter. Criteria: Invitae Variant Classification Sherloc (09022015). Collection method: clinical testing. Allele origin: germline.
Comment: In summary, the available evidence is currently insufficient to determine the role of this variant in disease. Therefore, it has been classified as a Variant of Uncertain Significance. Algorithms developed to predict the effect of missense changes on protein structure and function are either unavailable or do not agree on the potential impact of this missense change (SIFT: "Tolerated"; PolyPhen-2: "Probably Damaging"; Align-GVGD: "Class C0"). This variant has not been reported in the literature in individuals affected with CAD-related conditions. This variant is present in population databases (no rsID available, gnomAD 0.004%). This sequence change replaces aspartic acid, which is acidic and polar, with histidine, which is basic and polar, at codon 1808 of the CAD protein (p.Asp1808His).